The following is an entry in ClinVar:

NM_014975.3(MAST1):c.2210A>C (p.Lys737Thr)

Genes: MAST1 (microtubule associated serine/threonine kinase 1; plus strand), LOC112543452 (Sharpr-MPRA regulatory region 6054; plus strand). Cytogenetic location: 19p13.13.
Variant type: single nucleotide variant.
Coding change: c.2210A>C on transcript NM_014975.3 (MANE Select); coding-DNA position 2210, A replaced by C.
Protein change: p.Lys737Thr; replaces lysine 737 with threonine.
Molecular consequence: missense variant.
Genome position (GRCh38, 1-based): chr19:12,867,544, A>C. VCF-style: chr19-12867544-A-C. GRCh37 (hg19) VCF-style: chr19-12978358-A-C.
Other names: short protein forms K737T.
Identifiers: ClinVar variation 2827940 (VCV002827940.3), dbSNP rs2512539140, ClinGen allele CA404277317.

ClinVar aggregate classification (germline): Uncertain significance (1 of 4 stars; one submission).

Allele frequency attached by ClinVar (database versions not stated): gnomAD exomes 0.00001.
gnomAD v4.1: 12 of 1,613,756 alleles (0.00074%); highest among the groups gnomAD compares: Non-Finnish European, 0.001%; no homozygotes.

Submission:

Labcorp Genetics (formerly Invitae), Labcorp
Classification: Uncertain significance. Last evaluated: 2023-01-12. Review status: criteria provided, single submitter. Criteria: Invitae Variant Classification Sherloc (09022015). Collection method: clinical testing. Allele origin: germline.
Comment: This variant has not been reported in the literature in individuals affected with MAST1-related conditions. In summary, the available evidence is currently insufficient to determine the role of this variant in disease. Therefore, it has been classified as a Variant of Uncertain Significance. Algorithms developed to predict the effect of missense changes on protein structure and function (SIFT, PolyPhen-2, Align-GVGD) all suggest that this variant is likely to be tolerated. This variant is not present in population databases (gnomAD no frequency). This sequence change replaces lysine, which is basic and polar, with threonine, which is neutral and polar, at codon 737 of the MAST1 protein (p.Lys737Thr).